The following is an entry in ClinVar:

NM_001164760.2(PRKAR1B):c.258C>A (p.Pro86=)

Gene: PRKAR1B (protein kinase cAMP-dependent type I regulatory subunit beta; minus strand). Cytogenetic location: 7p22.3.
Variant type: single nucleotide variant.
Coding change: c.258C>A on transcript NM_001164760.2 (MANE Select); coding-DNA position 258, C replaced by A.
Protein change: p.Pro86=; no amino-acid change (proline 86 retained).
Molecular consequence: synonymous variant.
Genome position (GRCh38, 1-based): chr7:680,646, G>T on the plus strand (C>A on the coding strand, the complement: PRKAR1B is on the minus strand). VCF-style: chr7-680646-G-T. GRCh37 (hg19) VCF-style: chr7-720283-G-T.
Other names: c.258C>A, p.Pro86= (NM_001164758.2, NM_001164759.1, NM_001164761.2 and 2 more transcripts).
Identifiers: ClinVar variation 794456 (VCV000794456.5), dbSNP rs199568828, ClinGen allele CA4110227.

ClinVar aggregate classification (germline): Benign. Review status: criteria provided, single submitter (1 of 4 stars). 2 submissions from 2 submitters: Benign (1). 1 of the submissions does not count toward it. Last evaluated 2018-11-09.

Conditions:
PRKAR1B-related disorder. Also called: PRKAR1B-related condition.

Allele frequency attached by ClinVar (database versions not stated): gnomAD 0.00005 and 0.00007; ExAC 0.00020; TOPMed 0.00021; 1000 Genomes Project 30x 0.00047; 1000 Genomes Project 0.00060.
gnomAD v4.1: 66 of 1,613,584 alleles (0.0041%); highest among the groups gnomAD compares: East Asian, 0.13%; no homozygotes.

Submissions (2):

Labcorp Genetics (formerly Invitae), Labcorp
Classification: Benign. Last evaluated: 2018-11-09. Review status: criteria provided, single submitter. Criteria: Invitae Variant Classification Sherloc (09022015). Collection method: clinical testing. Allele origin: germline.

PreventionGenetics, part of Exact Sciences
Classification: Likely benign for PRKAR1B-related condition. Last evaluated: 2019-04-16. Review status: no assertion criteria provided. Collection method: clinical testing. Allele origin: germline. Not counted in ClinVar's aggregate classification.
Comment: This variant is classified as likely benign based on ACMG/AMP sequence variant interpretation guidelines (Richards et al. 2015 PMID: 25741868, with internal and published modifications).